The following is an entry in ClinVar:

ClinVar aggregate classification (germline): Conflicting classifications of pathogenicity. Review status: criteria provided, conflicting classifications (1 of 4 stars). 6 submissions from 6 submitters: Pathogenic (1); Likely pathogenic (4); Uncertain significance (1). Last evaluated 2026-02-18.

Conditions:
Inborn genetic diseases. Identifiers: MedGen C0950123, MeSH D030342.
Adenylosuccinate lyase deficiency (ADSLD). Also called: ADSL DEFICIENCY. Identifiers: Orphanet 46, MedGen C0268126, MONDO:0007068, OMIM 103050.

Allele frequency attached by ClinVar (database versions not stated): gnomAD exomes below 0.00001; gnomAD 0.00001; TOPMed 0.00005.
gnomAD v4.1: 2 of 1,611,406 alleles (0.00012%); highest among the groups gnomAD compares: East Asian, 0.0045%; no homozygotes.

Submissions (6):

Pediatrics, Sichuan Provincial Hospital For Women And Children
Classification: Likely pathogenic for Adenylosuccinate lyase deficiency. Last evaluated: 2026-02-18. Review status: criteria provided, single submitter. Criteria: ACMG Guidelines, 2015. Collection method: research. Allele origin: paternal. Inheritance: Autosomal recessive inheritance. Affected: yes. Observed: 1 hemizygote.
Comment: PM3_Strong (strong pathogenic evidence): Multiple patients have been reported in the literature with a likely pathogenic variant in trans position to this variant [PMID: 28487569; 30185235]. PM2 (moderate pathogenic evidence): This variant was absent from the Shenzhou Genome Database, the Exome Aggregation Consortium (ExAC) database, and the 1000 Genomes Project (1000G). Its frequency in the Genome Aggregation Database (gnomAD) is 0.0000552608. PP1 (supporting pathogenic evidence): The literature reports that this variant co-segregated with disease in two affected family members [PMID: 28487569].

Department of Neurology, Zibo Changguo Hospital
Classification: Likely pathogenic for Adenylosuccinate lyase deficiency. Last evaluated: 2025-01-10. Review status: criteria provided, single submitter. Criteria: ACMG Guidelines, 2015. Collection method: clinical testing. Allele origin: paternal. Inheritance: Autosomal recessive inheritance. Affected: yes. Observed: 1 compound heterozygote.
Comment: PM3_Strong, PM1, PM2_Supporting

Labcorp Genetics (formerly Invitae), Labcorp
Classification: Pathogenic for Adenylosuccinate lyase deficiency. Last evaluated: 2024-12-07. Review status: criteria provided, single submitter. Criteria: Invitae Variant Classification Sherloc (09022015). Collection method: clinical testing. Allele origin: germline.
Comment: This sequence change replaces proline, which is neutral and non-polar, with leucine, which is neutral and non-polar, at codon 24 of the ADSL protein (p.Pro24Leu). The frequency data for this variant in the population databases is considered unreliable, as metrics indicate poor data quality at this position in the gnomAD database. This missense change has been observed in individual(s) with clinical features of adenylosuccinate lyase deficiency (PMID: 28487569, 30185235). In at least one individual the data is consistent with being in trans (on the opposite chromosome) from a pathogenic variant. It has also been observed to segregate with disease in related individuals. ClinVar contains an entry for this variant (Variation ID: 529212). Invitae Evidence Modeling of protein sequence and biophysical properties (such as structural, functional, and spatial information, amino acid conservation, physicochemical variation, residue mobility, and thermodynamic stability) indicates that this missense variant is not expected to disrupt ADSL protein function with a negative predictive value of 80%. For these reasons, this variant has been classified as Pathogenic.

Ambry Genetics
Classification: Uncertain significance for Inborn genetic diseases. Last evaluated: 2021-12-21. Review status: criteria provided, single submitter. Criteria: Ambry Variant Classification Scheme 2023. Collection method: clinical testing. Allele origin: germline.

3billion
Classification: Likely pathogenic for Adenylosuccinate lyase deficiency. Review status: criteria provided, single submitter. Criteria: ACMG Guidelines, 2015. Collection method: clinical testing. Allele origin: unknown. Affected: yes. Observed: 1 heterozygote.
Comment: The variant is observed at an extremely low frequency in the gnomAD v2.1.1 dataset (total allele frequency: <0.001%). In silico tool predictions suggest damaging effect of the variant on gene or gene product (3Cnet: 0.77). Same nucleotide change resulting in same amino acid change has been previously reported to be associated with ADSL related disorder (ClinVar ID: VCV000529212 / PMID: 28487569). The variant has been reported to be in trans with a pathogenic variant as either compound heterozygous or homozygous in at least 2 similarly affected unrelated individuals (PMID: 10958654). Therefore, this variant is classified as Likely pathogenic according to the recommendation of ACMG/AMP guideline.

Juno Genomics, Hangzhou Juno Genomics, Inc
Classification: Likely pathogenic for Adenylosuccinate lyase deficiency. Review status: criteria provided, single submitter. Criteria: ACMG Guidelines, 2015. Collection method: clinical testing. Allele origin: germline.
Comment: Absent from controls (or at extremely low frequency if recessive) in Genome Aggregation Database.;Multiple lines of computational evidence suggest no impact on gene or gene product.;For recessive disorders, detected in trans with a pathogenic variant.;Co-segregation with disease in multiple affected family members.;Patient's phenotype or family history is highly specific for a disease with a single genetic etiology.

Literature cited by the submitters: PubMed 28487569 (cited by 4 submitters); PubMed 30185235 (cited by Pediatrics, Sichuan Provincial Hospital For Women And Children and Labcorp Genetics (formerly Invitae), Labcorp); PubMed 10958654 (cited by 3billion).

NM_000026.4(ADSL):c.71C>T (p.Pro24Leu)

Gene: ADSL (adenylosuccinate lyase; plus strand). Cytogenetic location: 22q13.1.
Variant type: single nucleotide variant.
Coding change: c.71C>T on transcript NM_000026.4 (MANE Select); coding-DNA position 71, C replaced by T.
Protein change: p.Pro24Leu; replaces proline 24 with leucine.
Molecular consequence: missense variant. On other transcripts: 5 prime UTR variant (1), non-coding transcript variant (1).
Genome position (GRCh38, 1-based): chr22:40,346,629, C>T. VCF-style: chr22-40346629-C-T. GRCh37 (hg19) VCF-style: chr22-40742633-C-T.
Other names: c.71C>T, p.Pro24Leu (NM_001123378.3, NM_001363840.3); c.-67C>T (NM_001317923.2); c.71C>T (NM_000026.3); short protein forms P24L.
Identifiers: ClinVar variation 529212 (VCV000529212.14), dbSNP rs1257907226, ClinGen allele CA411632693.